The following is an entry in ClinVar:

ClinVar aggregate classification (germline): Conflicting classifications of pathogenicity. Review status: criteria provided, conflicting classifications (1 of 4 stars). 8 submissions from 8 submitters: Uncertain significance (4); Benign (1); Likely benign (3). Last evaluated 2026-05-06.

Conditions:
DICER1-related disorder. Also called: DICER1-related condition.
DICER1-related tumor predisposition. Also called: DICER1 syndrome; DICER1-related pleuropulmonary blastoma cancer predisposition syndrome. Identifiers: Orphanet 284343, MedGen C3839822, MONDO:0100216.
Hereditary cancer-predisposing syndrome. Also called: Tumor predisposition; Neoplastic Syndromes, Hereditary; Hereditary neoplastic syndrome; Hereditary Cancer Syndrome. Identifiers: Orphanet 140162, MedGen C0027672, MeSH D009386, MONDO:0015356.

Allele frequency attached by ClinVar (database versions not stated): ESP Exome Variant Server 0.00008; ExAC 0.00011; TOPMed 0.00013; gnomAD exomes 0.00014 and 0.00016; 1000 Genomes Project 30x 0.00016; gnomAD 0.00016 and 0.00018; 1000 Genomes Project 0.00020.

Submissions (8):

PreventionGenetics, part of Exact Sciences
Classification: Uncertain significance for DICER1-related condition. Last evaluated: 2026-05-06. Review status: criteria provided, single submitter. Criteria: ACMG Guidelines, 2015. Collection method: clinical testing. Allele origin: germline.
Comment: The DICER1 c.4819C>T variant is predicted to result in the amino acid substitution p.Arg1607Trp. This variant was reported as a variant of uncertain significance in an individual with breast cancer (Table S4, Sandoval et al. 2021. PubMed ID: 33606809). This variant is reported in 0.048% of alleles in individuals of Latino descent in gnomAD and has conflicting interpretations regarding its pathogenicity in ClinVar, ranging from uncertain significance to benign (Variation ID: 315102). Although we suspect that this variant may be benign, at this time, the clinical significance of this variant is uncertain due to the absence of conclusive functional and genetic evidence.

Labcorp Genetics (formerly Invitae), Labcorp
Classification: Likely benign for DICER1-related tumor predisposition. Last evaluated: 2026-02-04. Review status: criteria provided, single submitter. Criteria: Invitae Variant Classification Sherloc (09022015). Collection method: clinical testing. Allele origin: germline.

Center for Genomic Medicine, Rigshospitalet, Copenhagen University Hospital
Classification: Likely benign. Last evaluated: 2025-12-29. Review status: criteria provided, single submitter. Criteria: ACMG Guidelines, 2015. Collection method: clinical testing. Allele origin: germline.
Comment: Classification criteria: BS1, BP4

CeGaT Center for Human Genetics Tuebingen
Classification: Likely benign. Last evaluated: 2025-09-01. Review status: criteria provided, single submitter. Criteria: CeGaT Center For Human Genetics Tuebingen Variant Classification Criteria Version 2. Collection method: clinical testing. Allele origin: germline. Affected: yes. Observed: 1 variant allele.
Comment: DICER1: BP4, BS2

Ambry Genetics
Classification: Uncertain significance for Hereditary cancer-predisposing syndrome. Last evaluated: 2025-08-08. Review status: criteria provided, single submitter. Criteria: Ambry Variant Classification Scheme 2023. Collection method: clinical testing. Allele origin: germline.

Quest Diagnostics Nichols Institute San Juan Capistrano
Classification: Uncertain significance. Last evaluated: 2024-07-31. Review status: criteria provided, single submitter. Criteria: Quest Diagnostics criteria. Collection method: clinical testing. Allele origin: unknown.
Comment: The DICER1 c.4819C>T (p.Arg1607Trp) variant has been reported in the published literature in at least one individual with breast cancer (PMID: 33606809 (2021)). The frequency of this variant in the general population, 0.00048 (17/35436 chromosomes in Latino/Admixed American subpopulation (Genome Aggregation Database)), is higher than would generally be expected for pathogenic variants in this gene. Analysis of this variant using bioinformatics tools for the prediction of the effect of amino acid changes on protein structure and function yielded predictions that this variant is benign. Based on the available information, we are unable to determine the clinical significance of this variant.

GeneDx
Classification: Uncertain significance. Last evaluated: 2022-08-30. Review status: criteria provided, single submitter. Criteria: GeneDx Variant Classification Process June 2021. Collection method: clinical testing. Allele origin: germline. Affected: yes.
Comment: In silico analysis supports that this missense variant does not alter protein structure/function; Has not been previously published as pathogenic or benign to our knowledge; This variant is associated with the following publications: (PMID: 28748527)

Illumina Laboratory Services, Illumina
Classification: Benign for Pleuropulmonary blastoma. Last evaluated: 2018-01-13. Review status: criteria provided, single submitter. Criteria: ICSL Variant Classification Criteria 13 December 2019. Collection method: clinical testing. Allele origin: germline.
Comment: This variant was observed in the ICSL laboratory as part of a predisposition screen in an ostensibly healthy population. It had not been previously curated by ICSL or reported in the Human Gene Mutation Database (HGMD: prior to June 1st, 2018), and was therefore a candidate for classification through an automated scoring system. Utilizing variant allele frequency, disease prevalence and penetrance estimates, and inheritance mode, an automated score was calculated to assess if this variant is too frequent to cause the disease. Based on the score and internal cut-off values, a variant classified as benign is not then subjected to further curation. The score for this variant resulted in a classification of benign for this disease.

Literature cited by the submitters: PubMed 28748527 (cited by Quest Diagnostics Nichols Institute San Juan Capistrano); PubMed 33606809 (cited by Quest Diagnostics Nichols Institute San Juan Capistrano).

NM_177438.3(DICER1):c.4819C>T (p.Arg1607Trp)

Gene: DICER1 (dicer 1, ribonuclease III; minus strand). Cytogenetic location: 14q32.13.
Variant type: single nucleotide variant.
Coding change: c.4819C>T on transcript NM_177438.3 (MANE Select); coding-DNA position 4819, C replaced by T.
Protein change: p.Arg1607Trp; replaces arginine 1607 with tryptophan.
Molecular consequence: missense variant.
Genome position (GRCh38, 1-based): chr14:95,096,101, G>A on the plus strand (C>T on the coding strand, the complement: DICER1 is on the minus strand). VCF-style: chr14-95096101-G-A. GRCh37 (hg19) VCF-style: chr14-95562438-G-A.
Other names: c.4819C>T, p.Arg1607Trp (NM_001195573.1, NM_001271282.3, NM_001291628.2 and 1 more transcripts); short protein forms R1607W.
Identifiers: ClinVar variation 315102 (VCV000315102.42), dbSNP rs189119295, ClinGen allele CA7330791.